The following is an entry in ClinVar:

NM_018941.4(CLN8):c.499G>A (p.Glu167Lys)

Gene: CLN8 (CLN8 transmembrane ER and ERGIC protein; plus strand). Cytogenetic location: 8p23.3.
Variant type: single nucleotide variant.
Coding change: c.499G>A on transcript NM_018941.4 (MANE Select); coding-DNA position 499, G replaced by A.
Protein change: p.Glu167Lys; replaces glutamic acid 167 with lysine.
Molecular consequence: missense variant.
Genome position (GRCh38, 1-based): chr8:1,771,553, G>A. VCF-style: chr8-1771553-G-A. GRCh37 (hg19) VCF-style: chr8-1719719-G-A.
Other names: short protein forms E167K.
Identifiers: ClinVar variation 850413 (VCV000850413.7), dbSNP rs144495588, ClinGen allele CA369953687.

ClinVar aggregate classification (germline): Uncertain significance (1 of 4 stars; one submission).

Conditions:
Neuronal ceroid lipofuscinosis. Also called: Neuronal Ceroid Lipofuscinoses. Identifiers: Orphanet 216, Orphanet 79263, MedGen C0027877, MONDO:0016295. Disease mechanism: loss of function.

Submission:

Labcorp Genetics (formerly Invitae), Labcorp
Classification: Uncertain significance for Neuronal ceroid lipofuscinosis. Last evaluated: 2023-08-17. Review status: criteria provided, single submitter. Criteria: Invitae Variant Classification Sherloc (09022015). Collection method: clinical testing. Allele origin: germline.
Comment: This sequence change replaces glutamic acid, which is acidic and polar, with lysine, which is basic and polar, at codon 167 of the CLN8 protein (p.Glu167Lys). This variant is not present in population databases (gnomAD no frequency). In summary, the available evidence is currently insufficient to determine the role of this variant in disease. Therefore, it has been classified as a Variant of Uncertain Significance. Advanced modeling of protein sequence and biophysical properties (such as structural, functional, and spatial information, amino acid conservation, physicochemical variation, residue mobility, and thermodynamic stability) performed at Invitae indicates that this missense variant is expected to disrupt CLN8 protein function. ClinVar contains an entry for this variant (Variation ID: 850413). This variant has not been reported in the literature in individuals affected with CLN8-related conditions.